The following is an entry in ClinVar:

NC_012920.1(MT-ND5):m.13651A>C

Gene: MT-ND5 (mitochondrially encoded NADH dehydrogenase 5; plus strand).
Variant type: single nucleotide variant.
Genome position: chrM-13651-A-C.
Identifiers: ClinVar variation 693585 (VCV000693585.1), dbSNP rs1569484594, ClinGen allele CA414818913.

ClinVar aggregate classification (germline): Uncertain significance (1 of 4 stars; one submission).

Conditions:
Leigh syndrome (NULS). Also called: Leigh's necrotizing encephalopathy; Leigh's disease; Leigh's syndrome; LEIGH SYNDROME, NUCLEAR; Leigh Syndrome (mtDNA deletion); Leigh Disease. Identifiers: Orphanet 506, MedGen C2931891, MONDO:0009723, OMIM 256000.

Submission:

Wong Mito Lab, Molecular and Human Genetics, Baylor College of Medicine
Classification: Uncertain significance for Leigh syndrome. Last evaluated: 2019-10-17. Review status: criteria provided, single submitter. Criteria: Modified ACMG Guidelines (Unpublished). Collection method: clinical testing. Allele origin: germline.
Comment: The NC_012920.1:m.13651A>C (YP_003024036.1:p.Thr439Pro) variant in MTND5 gene is interpretated to be a Uncertain Significance variant based on the modified ACMG guidelines (unpublished). This variant meets the following evidence codes: BS1, PP6